The following is an entry in ClinVar:

ClinVar aggregate classification (germline): Pathogenic (1 of 4 stars; one submission).

Conditions:
Familial thoracic aortic aneurysm and aortic dissection (TAAD). Also called: Thoracic aortic aneurysms and dissections. Identifiers: Orphanet 91387, MedGen C4707243, MONDO:0019625.
Marfan syndrome (MFS). Also called: Marfan syndrome type 1; Marfan's syndrome; Marfan syndrome, classic; MARFAN SYNDROME, TYPE I; FBN1-Related Marfan Syndrome. Identifiers: Orphanet 284963, Orphanet 558, MedGen C0024796, MONDO:0007947, OMIM 154700.

Submission:

Labcorp Genetics (formerly Invitae), Labcorp
Classification: Pathogenic for Marfan syndrome; Familial thoracic aortic aneurysm and aortic dissection. Last evaluated: 2020-11-13. Review status: criteria provided, single submitter. Criteria: Invitae Variant Classification Sherloc (09022015). Collection method: clinical testing. Allele origin: germline.
Comment: For these reasons, this variant has been classified as Pathogenic. Algorithms developed to predict the effect of sequence changes on RNA splicing suggest that this variant may disrupt the consensus splice site, but this prediction has not been confirmed by published transcriptional studies. Disruption of this splice site has been observed in individual(s) with Marfan syndrome (PMID: 16342915, 15241795, Invitae). This variant is not present in population databases (ExAC no frequency). This sequence change affects an acceptor splice site in intron 15 of the FBN1 gene. It is expected to disrupt RNA splicing. Variants that disrupt the donor or acceptor splice site typically lead to a loss of protein function (PMID: 16199547), and loss-of-function variants in FBN1 are known to be pathogenic (PMID: 17657824, 19293843).

Literature cited by the submitters: PubMed 16342915; PubMed 15241795; PubMed 16199547; PubMed 17657824; PubMed 19293843.

NM_000138.5(FBN1):c.1838-2A>G

Gene: FBN1 (fibrillin 1; minus strand). Cytogenetic location: 15q21.1.
Variant type: single nucleotide variant.
Coding change: c.1838-2A>G on transcript NM_000138.5 (MANE Select); the canonical splice acceptor site of the intron before coding-DNA position 1838, A replaced by G.
Molecular consequence: splice acceptor variant.
Genome position (GRCh38, 1-based): chr15:48,505,149, T>C on the plus strand (A>G on the coding strand, the complement: FBN1 is on the minus strand). VCF-style: chr15-48505149-T-C. GRCh37 (hg19) VCF-style: chr15-48797346-T-C.
Other names: c.1838-2A>G (NM_001406716.1).
Identifiers: ClinVar variation 1073881 (VCV001073881.9), dbSNP rs2141317516, ClinGen allele CA392339217.
Genomic context (GRCh38, chr15:48,505,149, plus strand): 5'-ATCAGTGTTGACGCAACGCCCATTCATGCAGATCCCAGGGGTTTCACACTCGTTAATGTC[T>C]GTGGCAGAGAAAGGCACTTATTAAAAATGAAGTGACATTTATCTAAAATTATAACATGTT-3'